The following is an entry in ClinVar:

ClinVar aggregate classification (germline): Uncertain significance (1 of 4 stars; one submission).

Conditions:
Candidiasis, familial, 8 (CANDF8). Identifiers: Orphanet 1334, MedGen C3714992, MONDO:0014230, OMIM 615527.

Submission:

Labcorp Genetics (formerly Invitae), Labcorp
Classification: Uncertain significance for Candidiasis, familial, 8. Last evaluated: 2021-10-22. Review status: criteria provided, single submitter. Criteria: Invitae Variant Classification Sherloc (09022015). Collection method: clinical testing. Allele origin: germline.
Comment: This variant has not been reported in the literature in individuals affected with TRAF3IP2-related conditions. This variant is not present in population databases (ExAC no frequency). This sequence change falls in intron 3 of the TRAF3IP2 gene. It does not directly change the encoded amino acid sequence of the TRAF3IP2 protein. It affects a nucleotide within the consensus splice site. Variants that disrupt the consensus splice site are a relatively common cause of aberrant splicing (PMID: 17576681, 9536098). Algorithms developed to predict the effect of sequence changes on RNA splicing suggest that this variant is not likely to affect RNA splicing. In summary, the available evidence is currently insufficient to determine the role of this variant in disease. Therefore, it has been classified as a Variant of Uncertain Significance.

Literature cited by the submitters: PubMed 17576681; PubMed 9536098.

NM_147686.4(TRAF3IP2):c.1023-3T>C

Genes: TRAF3IP2 (TRAF3 interacting protein 2; minus strand), TRAF3IP2-AS1 (TRAF3IP2 antisense RNA 1; plus strand). Cytogenetic location: 6q21.
Variant type: single nucleotide variant.
Coding change: c.1023-3T>C on transcript NM_147686.4 (MANE Select); 3 bases into the intron before coding-DNA position 1023, T replaced by C.
Molecular consequence: intron variant.
Genome position (GRCh38, 1-based): chr6:111,575,824, A>G on the plus strand (T>C on the coding strand, the complement: TRAF3IP2 is on the minus strand). VCF-style: chr6-111575824-A-G. GRCh37 (hg19) VCF-style: chr6-111897027-A-G.
Other names: c.1023-3T>C (NM_001164281.3); c.1050-3T>C (NM_147200.3).
Identifiers: ClinVar variation 1481122 (VCV001481122.4), dbSNP rs2128375807, ClinGen allele CA2573140547.
Genomic context (GRCh38, chr6:111,575,824, plus strand): 5'-CTCCAAGGACTCCCCAGGAGCACCAGCTCTATTAGGTGGCTGGTGATGTGGCTGGTCCCT[A>G]GAAAGGAATACATTTACAGTCAATTTTCATTCTTTACAAAGGCAAACCTTCAGGGACAGA-3'